The following is an entry in ClinVar:

NM_001466.4(FZD2):c.79G>C (p.Gly27Arg)

Gene: FZD2 (frizzled class receptor 2; plus strand). Cytogenetic location: 17q21.31.
Variant type: single nucleotide variant.
Coding change: c.79G>C on transcript NM_001466.4 (MANE Select); coding-DNA position 79, G replaced by C.
Protein change: p.Gly27Arg; replaces glycine 27 with arginine.
Molecular consequence: missense variant.
Genome position (GRCh38, 1-based): chr17:44,557,767, G>C. VCF-style: chr17-44557767-G-C. GRCh37 (hg19) VCF-style: chr17-42635135-G-C.
Other names: c.79G>C (NM_001466.3); short protein forms G27R.
Identifiers: ClinVar variation 1361232 (VCV001361232.9), dbSNP rs754611548, ClinGen allele CA8604614.

ClinVar aggregate classification (germline): Uncertain significance. Review status: criteria provided, multiple submitters, no conflicts (2 of 4 stars). 2 submissions from 2 submitters: Uncertain significance (2). Last evaluated 2024-09-24.

Allele frequency attached by ClinVar (database versions not stated): gnomAD 0.00001; TOPMed 0.00002.

Submissions (2):

Ambry Genetics
Classification: Uncertain significance. Last evaluated: 2024-09-24. Review status: criteria provided, single submitter. Criteria: Ambry Variant Classification Scheme 2023. Collection method: clinical testing. Allele origin: germline.

Labcorp Genetics (formerly Invitae), Labcorp
Classification: Uncertain significance. Last evaluated: 2024-07-23. Review status: criteria provided, single submitter. Criteria: Invitae Variant Classification Sherloc (09022015). Collection method: clinical testing. Allele origin: germline.
Comment: This sequence change replaces glycine, which is neutral and non-polar, with arginine, which is basic and polar, at codon 27 of the FZD2 protein (p.Gly27Arg). This variant is present in population databases (rs754611548, gnomAD 0.01%). This variant has not been reported in the literature in individuals affected with FZD2-related conditions. ClinVar contains an entry for this variant (Variation ID: 1361232). An algorithm developed to predict the effect of missense changes on protein structure and function (PolyPhen-2) suggests that this variant is likely to be tolerated. In summary, the available evidence is currently insufficient to determine the role of this variant in disease. Therefore, it has been classified as a Variant of Uncertain Significance.